The following is an entry in ClinVar:

ClinVar aggregate classification (germline): Likely benign (1 of 4 stars; one submission).

Allele frequency attached by ClinVar (database versions not stated): 1000 Genomes Project 30x 0.01265; gnomAD 0.01565; ExAC 0.02213.

Submission:

CeGaT Center for Human Genetics Tuebingen
Classification: Likely benign. Last evaluated: 2026-04-01. Review status: criteria provided, single submitter. Criteria: CeGaT Center For Human Genetics Tuebingen Variant Classification Criteria Version 2. Collection method: clinical testing. Allele origin: germline. Affected: yes. Observed: 7 variant alleles.
Comment: MUC5B: BP4, BS1

NM_002458.3(MUC5B):c.7929A>T (p.Arg2643Ser)

Genes: MUC5B (mucin 5B, oligomeric mucus/gel-forming; plus strand), MUC5B-AS1 (MUC5B antisense RNA 1; minus strand). Cytogenetic location: 11p15.5.
Variant type: single nucleotide variant.
Coding change: c.7929A>T on transcript NM_002458.3 (MANE Select); coding-DNA position 7929, A replaced by T.
Protein change: p.Arg2643Ser; replaces arginine 2643 with serine.
Molecular consequence: missense variant.
Genome position (GRCh38, 1-based): chr11:1,244,809, A>T. VCF-style: chr11-1244809-A-T. GRCh37 (hg19) VCF-style: chr11-1266039-A-T.
Other names: short protein forms R2643S.
Identifiers: ClinVar variation 2641236 (VCV002641236.24), dbSNP rs200653932, ClinGen allele CA5806493.